The following is an entry in ClinVar:

NM_182914.3(SYNE2):c.9124G>C (p.Glu3042Gln)

Gene: SYNE2 (spectrin repeat containing nuclear envelope protein 2; plus strand). Cytogenetic location: 14q23.2.
Variant type: single nucleotide variant.
Coding change: c.9124G>C on transcript NM_182914.3 (MANE Select); coding-DNA position 9124, G replaced by C.
Protein change: p.Glu3042Gln; replaces glutamic acid 3042 with glutamine.
Molecular consequence: missense variant.
Genome position (GRCh38, 1-based): chr14:64,053,037, G>C. VCF-style: chr14-64053037-G-C. GRCh37 (hg19) VCF-style: chr14-64519755-G-C.
Other names: c.9124G>C, p.Glu3042Gln (NM_015180.6); short protein forms E3042Q.
Identifiers: ClinVar variation 1055300 (VCV001055300.9), dbSNP rs1364501437, ClinGen allele CA389975388.
Genomic context (GRCh38, chr14:64,053,037, plus strand): 5'-ACCCAAGTATTTGAAAAAGAAAAGGAACTTGAAGAAAAAATTAAGCAGTTGGACACATTT[G>C]AGGAAGAACATGGCAAATATCAGGCATTATTAAGTAAAATGAGAGCTATTGATTTGCAAA-3'
Protein context (NP_878918.2, residues 3032-3052): EEKIKQLDTF[Glu3042Gln]EEHGKYQALL

ClinVar aggregate classification (germline): Uncertain significance (1 of 4 stars; one submission).

Conditions:
Emery-Dreifuss muscular dystrophy 5, autosomal dominant (EDMD5). Also called: EMERY-DREIFUSS MUSCULAR DYSTROPHY 5. Identifiers: Orphanet 261, MedGen C2751805, MONDO:0013072, OMIM 612999.

Allele frequency attached by ClinVar (database versions not stated): gnomAD exomes 0.00001 and 0.00003; TOPMed 0.00002; gnomAD 0.00003.
gnomAD v4.1: 51 of 1,613,830 alleles (0.0032%); highest among the groups gnomAD compares: Non-Finnish European, 0.0042%; no homozygotes.

Submission:

Labcorp Genetics (formerly Invitae), Labcorp
Classification: Uncertain significance for Emery-Dreifuss muscular dystrophy 5, autosomal dominant. Last evaluated: 2024-08-23. Review status: criteria provided, single submitter. Criteria: Invitae Variant Classification Sherloc (09022015). Collection method: clinical testing. Allele origin: germline.
Comment: This sequence change replaces glutamic acid, which is acidic and polar, with glutamine, which is neutral and polar, at codon 3042 of the SYNE2 protein (p.Glu3042Gln). This variant is present in population databases (no rsID available, gnomAD 0.002%). This variant has not been reported in the literature in individuals affected with SYNE2-related conditions. ClinVar contains an entry for this variant (Variation ID: 1055300). An algorithm developed to predict the effect of missense changes on protein structure and function (PolyPhen-2) suggests that this variant is likely to be tolerated. In summary, the available evidence is currently insufficient to determine the role of this variant in disease. Therefore, it has been classified as a Variant of Uncertain Significance.